The following is an entry in ClinVar:

ClinVar aggregate classification (germline): Pathogenic. Review status: criteria provided, multiple submitters, no conflicts (2 of 4 stars). 2 submissions from 2 submitters: Pathogenic (2). Last evaluated 2025-12-08.

Conditions:
Recessive dystrophic epidermolysis bullosa (RDEB). Also called: DYSTROPHIC EPIDERMOLYSIS BULLOSA, AUTOSOMAL RECESSIVE; EPIDERMOLYSIS BULLOSA DYSTROPHICA, HALLOPEAU-SIEMENS TYPE; Hallopeau-Siemens Disease; severe generalized recessive dystrophic epidermolysis bullosa; EPIDERMOLYSIS BULLOSA DYSTROPHICA, GENERALIZED SEVERE, AUTOSOMAL RECESSIVE; Epidermolysis Bullosa Distrophica Autosomal Recessive (RDEB). Identifiers: Orphanet 79408, Orphanet 79409, MedGen C0079474, MONDO:0009179, OMIM 226600.

Submissions (2):

Labcorp Genetics (formerly Invitae), Labcorp
Classification: Pathogenic. Last evaluated: 2025-12-08. Review status: criteria provided, single submitter. Criteria: Invitae Variant Classification Sherloc (09022015). Collection method: clinical testing. Allele origin: germline.
Comment: This sequence change creates a premature translational stop signal (p.Glu953Valfs*8) in the COL7A1 gene. It is expected to result in an absent or disrupted protein product. Loss-of-function variants in COL7A1 are known to be pathogenic (PMID: 16971478). This variant is not present in population databases (gnomAD no frequency). This premature translational stop signal has been observed in individual(s) with autosomal recessive dystrophic epidermolysis bullosa (PMID: 34286919). Algorithms developed to predict the effect of sequence changes on RNA splicing suggest that this variant may disrupt the consensus splice site. For these reasons, this variant has been classified as Pathogenic.

3billion
Classification: Pathogenic for Recessive dystrophic epidermolysis bullosa. Last evaluated: 2022-01-03. Review status: criteria provided, single submitter. Criteria: ACMG Guidelines, 2015. Collection method: clinical testing. Allele origin: germline. Affected: yes. Observed: 1 variant allele, 1 heterozygote.
Comment: Frameshift: predicted to result in a loss or disruption of normal protein function through nonsense-mediated decay (NMD) or protein truncation. Multiple pathogenic variants are reported downstream of the variant (PVS1_VS). It is not observed in the gnomAD v2.1.1 dataset (PM2_M). In addition, patient's phenotype is considered compatible with epidermolysis bullosa dystrophica.Therefore, this variant is classified as pathogenic according to the recommendation of ACMG/AMP guideline.

Literature cited by the submitters: PubMed 16971478 (cited by Labcorp Genetics (formerly Invitae), Labcorp); PubMed 34286919 (cited by Labcorp Genetics (formerly Invitae), Labcorp).

NM_000094.4(COL7A1):c.2858_2859del

Gene: COL7A1 (collagen type VII alpha 1 chain; minus strand). Cytogenetic location: 3p21.31.
Variant type: Microsatellite.
Coding change: c.2858_2859del on transcript NM_000094.4 (MANE Select); coding-DNA positions 2858 to 2859, 2 bases deleted (AG; older notation c.2858_2859delAG).
Genome position (GRCh38, 1-based): chr3:48,587,553-48,587,554, CT deleted on the plus strand (AG on the coding strand, the reverse complement: COL7A1 is on the minus strand); deleting any 2 consecutive bases within chr3:48,587,553-48,587,556 gives the same sequence; the c. name uses the placement nearest the transcript's 3' end. VCF-style (leftmost placement, unchanged base first): chr3-48587552-ACT-A. GRCh37 (hg19) VCF-style: chr3-48624985-ACT-A.
Identifiers: ClinVar variation 3676716 (VCV003676716.2), dbSNP rs2107757949, ClinGen allele CA2580614233.